The following is an entry in ClinVar:

ClinVar aggregate classification (germline): Conflicting classifications of pathogenicity. Review status: criteria provided, conflicting classifications (1 of 4 stars). 4 submissions from 4 submitters: Uncertain significance (1); Likely benign (2). 1 of the submissions does not count toward it. Last evaluated 2024-02-14.

Conditions:
Usher syndrome type 1 (USH1). Also called: RETINITIS PIGMENTOSA AND CONGENITAL DEAFNESS. Identifiers: Orphanet 231169, Orphanet 886, MedGen C1568247, MONDO:0010168, OMIM 276900.
Usher syndrome type 1F (USH1F). Also called: USHER SYNDROME, TYPE IF. Identifiers: Orphanet 231169, Orphanet 886, MedGen C1865885, MONDO:0011186, OMIM 602083.

Allele frequency attached by ClinVar (database versions not stated): TOPMed 0.00003; gnomAD exomes below 0.00001; 1000 Genomes Project 0.00020; gnomAD 0.00003.
gnomAD v4.1: 14 of 1,593,990 alleles (0.00088%); highest among the groups gnomAD compares: African/African-American, 0.011%; no homozygotes.

Submissions (4):

Labcorp Genetics (formerly Invitae), Labcorp
Classification: Likely benign. Last evaluated: 2024-02-14. Review status: criteria provided, single submitter. Criteria: Invitae Variant Classification Sherloc (09022015). Collection method: clinical testing. Allele origin: germline.

Illumina Laboratory Services, Illumina
Classification: Uncertain significance for Usher syndrome type 1. Last evaluated: 2018-01-12. Review status: criteria provided, single submitter. Criteria: ICSL Variant Classification Criteria 13 December 2019. Collection method: clinical testing. Allele origin: germline.

Laboratory for Molecular Medicine, Mass General Brigham Personalized Medicine
Classification: Likely benign. Last evaluated: 2012-01-10. Review status: criteria provided, single submitter. Criteria: LMM Criteria. Collection method: clinical testing. Allele origin: germline. Observed: 1 variant allele.
Comment: Ala1761Ala in exon 33 of PCDH15: This variant is not expected to have clinical s ignificance because it does not alter an amino acid residue and is not located w ithin the splice consensus sequence.

Natera, Inc.
Classification: Likely benign for Usher syndrome type 1F. Last evaluated: 2020-08-13. Review status: no assertion criteria provided. Collection method: clinical testing. Allele origin: germline. Not counted in ClinVar's aggregate classification.

NM_033056.4(PCDH15):c.5283T>A (p.Ala1761=)

Gene: PCDH15 (protocadherin related 15; minus strand). Cytogenetic location: 10q21.1.
Variant type: single nucleotide variant.
Coding change: c.5283T>A on transcript NM_033056.4 (MANE Plus Clinical); coding-DNA position 5283, T replaced by A.
Protein change: p.Ala1761=; no amino-acid change (alanine 1761 retained).
Molecular consequence: synonymous variant. On other transcripts: intron variant (8).
Genome position (GRCh38, 1-based): chr10:53,822,443, A>T on the plus strand (T>A on the coding strand, the complement: PCDH15 is on the minus strand). VCF-style: chr10-53822443-A-T. GRCh37 (hg19) VCF-style: chr10-55582203-A-T.
Other names: c.4409+2693T>A (NM_001142769.3); c.5304T>A, p.Ala1768= (NM_001142763.2); c.5289T>A, p.Ala1763= (NM_001142764.2); c.5076T>A, p.Ala1692= (NM_001142765.2); c.5274T>A, p.Ala1758= (NM_001142766.2); c.5163T>A, p.Ala1721= (NM_001142767.2); c.5223T>A, p.Ala1741= (NM_001142768.2); c.5214T>A, p.Ala1738= (NM_001142773.2); and 7 more.
Identifiers: ClinVar variation 46491 (VCV000046491.17), dbSNP rs375134176, ClinGen allele CA138455.
Genomic context (GRCh38, chr10:53,822,443, plus strand): 5'-GGGAGGAGGACAAAAAAGAGAAAAAGGAGAAATGTCAGGAGGAGGAGCAAGAGGAGCAGG[A>T]GCAGGAGGAGGAGAAGGAGGAGAAATAGGAGGAGGAGGGGGAAGGGGACAGGCAGAAGGA-3'
Protein context (NP_149045.3, residues 1751-1771): PPISPPSPPP[Ala1761=]PAPLAPPPDI